The following is an entry in ClinVar:

ClinVar aggregate classification (germline): Uncertain significance (1 of 4 stars; one submission).

Submission:

Women's Health and Genetics/Laboratory Corporation of America, LabCorp
Classification: Uncertain significance. Last evaluated: 2024-06-17. Review status: criteria provided, single submitter. Criteria: LabCorp Variant Classification Summary - May 2015. Collection method: clinical testing. Allele origin: germline.
Comment: Variant summary: SHOC2 c.1436C>A (p.Thr479Lys) results in a non-conservative amino acid change in the encoded protein sequence. Three of five in-silico tools predict a benign effect of the variant on protein function. The variant was absent in 251280 control chromosomes. To our knowledge, no occurrence of c.1436C>A in individuals affected with Noonan Syndrome With Loose Anagen Hair and no experimental evidence demonstrating its impact on protein function have been reported. No submitters have cited clinical-significance assessments for this variant to ClinVar. Based on the evidence outlined above, the variant was classified as VUS-possibly pathogenic.

NM_007373.4(SHOC2):c.1436C>A (p.Thr479Lys)

Gene: SHOC2 (SHOC2 leucine rich repeat scaffold protein; plus strand). Cytogenetic location: 10q25.2.
Variant type: single nucleotide variant.
Coding change: c.1436C>A on transcript NM_007373.4 (MANE Select); coding-DNA position 1436, C replaced by A.
Protein change: p.Thr479Lys; replaces threonine 479 with lysine.
Molecular consequence: missense variant. On other transcripts: non-coding transcript variant (1).
Genome position (GRCh38, 1-based): chr10:111,009,726, C>A. VCF-style: chr10-111009726-C-A. GRCh37 (hg19) VCF-style: chr10-112769484-C-A.
Other names: c.1298C>A, p.Thr433Lys (NM_001269039.3); c.1436C>A, p.Thr479Lys (NM_001324336.2, NM_001324337.2); short protein forms T433K, T479K.
Identifiers: ClinVar variation 3340034 (VCV003340034.1).